The following is an entry in ClinVar:

NM_005506.4(SCARB2):c.605T>C (p.Phe202Ser)

Gene: SCARB2 (scavenger receptor class B member 2; minus strand). Cytogenetic location: 4q21.1.
Variant type: single nucleotide variant.
Coding change: c.605T>C on transcript NM_005506.4 (MANE Select); coding-DNA position 605, T replaced by C.
Protein change: p.Phe202Ser; replaces phenylalanine 202 with serine.
Molecular consequence: missense variant. On other transcripts: intron variant (1).
Genome position (GRCh38, 1-based): chr4:76,179,524, A>G on the plus strand (T>C on the coding strand, the complement: SCARB2 is on the minus strand). VCF-style: chr4-76179524-A-G. GRCh37 (hg19) VCF-style: chr4-77100677-A-G.
Other names: c.276-3614T>C (NM_001204255.2); short protein forms F202S.
Identifiers: ClinVar variation 1507962 (VCV001507962.6), dbSNP rs768181886, ClinGen allele CA2970306.

ClinVar aggregate classification (germline): Uncertain significance (1 of 4 stars; one submission).

Conditions:
Progressive myoclonic epilepsy. Also called: Familial progressive myoclonic epilepsy; Myoclonus epilepsy; Progressive myoclonus epilepsy; Myoclonic Epilepsies, Progressive. Identifiers: Orphanet 308, Orphanet 98261, MedGen C0751778, MONDO:0020074.

Allele frequency attached by ClinVar (database versions not stated): gnomAD exomes below 0.00001; ExAC 0.00001.

Submission:

Labcorp Genetics (formerly Invitae), Labcorp
Classification: Uncertain significance for Progressive myoclonic epilepsy. Last evaluated: 2022-01-15. Review status: criteria provided, single submitter. Criteria: Invitae Variant Classification Sherloc (09022015). Collection method: clinical testing. Allele origin: germline.
Comment: This sequence change replaces phenylalanine, which is neutral and non-polar, with serine, which is neutral and polar, at codon 202 of the SCARB2 protein (p.Phe202Ser). In summary, the available evidence is currently insufficient to determine the role of this variant in disease. Therefore, it has been classified as a Variant of Uncertain Significance. Algorithms developed to predict the effect of missense changes on protein structure and function (SIFT, PolyPhen-2, Align-GVGD) all suggest that this variant is likely to be disruptive. This variant has not been reported in the literature in individuals affected with SCARB2-related conditions. This variant is present in population databases (rs768181886, gnomAD 0.0009%).